The following is an entry in ClinVar:

NM_001330691.3(CEP78):c.2039G>C (p.Gly680Ala)

Gene: CEP78 (centrosomal protein 78; plus strand). Cytogenetic location: 9q21.2.
Variant type: single nucleotide variant.
Coding change: c.2039G>C on transcript NM_001330691.3 (MANE Select); coding-DNA position 2039, G replaced by C.
Protein change: p.Gly680Ala; replaces glycine 680 with alanine.
Molecular consequence: missense variant.
Genome position (GRCh38, 1-based): chr9:78,266,635, G>C. VCF-style: chr9-78266635-G-C. GRCh37 (hg19) VCF-style: chr9-80881551-G-C.
Other names: c.2042G>C, p.Gly681Ala (NM_001098802.3, NM_001349839.2); c.1991G>C, p.Gly664Ala (NM_001330693.3, NM_001330694.2); c.2039G>C, p.Gly680Ala (NM_001349838.2); c.1994G>C, p.Gly665Ala (NM_001349840.2, NM_032171.3); short protein forms G681A, G665A, G664A, G680A.
Identifiers: ClinVar variation 1483070 (VCV001483070.6), dbSNP rs767694351, ClinGen allele CA5095415.
Genomic context (GRCh38, chr9:78,266,635, plus strand): 5'-CTTTTGAAGGATTCATTGCTAGAATGTGTTCTCCTTCACCAGATGCGACTTCTGGAACTG[G>C]AAGTCAAAGAAAAGAAGAGGAGTTGTCCAGAAATAGCAGATCTTCTTCAGAGAAAAAGAC-3'
Protein context (NP_001317620.1, residues 670-690): SPSPDATSGT[Gly680Ala]SQRKEEELSR

ClinVar aggregate classification (germline): Uncertain significance (1 of 4 stars; one submission).

Allele frequency attached by ClinVar (database versions not stated): TOPMed 0.00003; ExAC 0.00004; gnomAD exomes 0.00003.
gnomAD v4.1: 18 of 1,612,688 alleles (0.0011%); highest among the groups gnomAD compares: East Asian, 0.038%; no homozygotes.

Submission:

Labcorp Genetics (formerly Invitae), Labcorp
Classification: Uncertain significance. Last evaluated: 2025-02-04. Review status: criteria provided, single submitter. Criteria: Invitae Variant Classification Sherloc (09022015). Collection method: clinical testing. Allele origin: germline.
Comment: This sequence change replaces glycine, which is neutral and non-polar, with alanine, which is neutral and non-polar, at codon 681 of the CEP78 protein (p.Gly681Ala). This variant is present in population databases (rs767694351, gnomAD 0.04%). This variant has not been reported in the literature in individuals affected with CEP78-related conditions. ClinVar contains an entry for this variant (Variation ID: 1483070). An algorithm developed to predict the effect of missense changes on protein structure and function outputs the following: PolyPhen-2: "Benign". The alanine amino acid residue is found in multiple mammalian species, which suggests that this missense change does not adversely affect protein function. In summary, the available evidence is currently insufficient to determine the role of this variant in disease. Therefore, it has been classified as a Variant of Uncertain Significance.